The following is an entry in ClinVar:

ClinVar aggregate classification (germline): Pathogenic (1 of 4 stars; one submission).

Conditions:
Epilepsy, familial focal, with variable foci 3 (FFEVF3). Identifiers: MedGen C4310708, MONDO:0014925, OMIM 617118.

Submission:

Labcorp Genetics (formerly Invitae), Labcorp
Classification: Pathogenic for Epilepsy, familial focal, with variable foci 3. Last evaluated: 2023-05-22. Review status: criteria provided, single submitter. Criteria: Invitae Variant Classification Sherloc (09022015). Collection method: clinical testing. Allele origin: unknown.
Comment: This variant is a gross deletion of the genomic region encompassing exon(s) 2-3 of the NPRL3 gene, which includes the initiator codon. This deletion extends beyond the assayed region for this gene and therefore may encompass additional genes. It is expected to result in an absent or disrupted protein product. Loss-of-function variants in NPRL3 are known to be pathogenic (PMID: 26285051, 26505888). This variant has not been reported in the literature in individuals affected with NPRL3-related conditions. For these reasons, this variant has been classified as Pathogenic.

Literature cited by the submitters: PubMed 26285051; PubMed 26505888.

NC_000016.9:g.(?_180501)_(188266_?)del

Gene: NPRL3 (NPR3 like, GATOR1 complex subunit; minus strand). Cytogenetic location: 16p13.3.
Variant type: Deletion.
Identifiers: ClinVar variation 3243551 (VCV003243551.1).